The following is an entry in ClinVar:

ClinVar aggregate classification (germline): Uncertain significance. Review status: criteria provided, multiple submitters, no conflicts (2 of 4 stars). 2 submissions from 2 submitters: Uncertain significance (2). Last evaluated 2025-07-01.

Submissions (2):

CeGaT Center for Human Genetics Tuebingen
Classification: Uncertain significance. Last evaluated: 2025-07-01. Review status: criteria provided, single submitter. Criteria: CeGaT Center For Human Genetics Tuebingen Variant Classification Criteria Version 2. Collection method: clinical testing. Allele origin: germline. Affected: yes. Observed: 1 variant allele.
Comment: SCN8A: PM2

Revvity Omics, Revvity
Classification: Uncertain significance. Last evaluated: 2021-05-13. Review status: criteria provided, single submitter. Criteria: ACMG Guidelines, 2015. Collection method: clinical testing. Allele origin: germline.

NM_001330260.2(SCN8A):c.3151G>C (p.Ala1051Pro)

Gene: SCN8A (sodium voltage-gated channel alpha subunit 8; plus strand). Cytogenetic location: 12q13.13.
Variant type: single nucleotide variant.
Coding change: c.3151G>C on transcript NM_001330260.2 (MANE Select); coding-DNA position 3151, G replaced by C.
Protein change: p.Ala1051Pro; replaces alanine 1051 with proline.
Molecular consequence: missense variant.
Genome position (GRCh38, 1-based): chr12:51,769,114, G>C. VCF-style: chr12-51769114-G-C. GRCh37 (hg19) VCF-style: chr12-52162898-G-C.
Other names: c.3151G>C, p.Ala1051Pro (NM_001177984.3, NM_001369788.1, NM_014191.4); short protein forms A1051P.
Identifiers: ClinVar variation 2435762 (VCV002435762.11), dbSNP rs2540266554, ClinGen allele CA384892712.